The following is an entry in ClinVar:

NM_144997.7(FLCN):c.1215C>G (p.Tyr405Ter)

Gene: FLCN (folliculin; minus strand). Cytogenetic location: 17p11.2.
Variant type: single nucleotide variant.
Coding change: c.1215C>G on transcript NM_144997.7 (MANE Select); coding-DNA position 1215, C replaced by G.
Protein change: p.Tyr405Ter; replaces tyrosine 405 with a stop codon.
Molecular consequence: nonsense.
Genome position (GRCh38, 1-based): chr17:17,216,465, G>C on the plus strand (C>G on the coding strand, the complement: FLCN is on the minus strand). VCF-style: chr17-17216465-G-C. GRCh37 (hg19) VCF-style: chr17-17119779-G-C.
Other names: c.1215C>G (LRG_325t1); c.1269C>G, p.Tyr423Ter (NM_001353229.2); c.1215C>G, p.Tyr405Ter (NM_001353230.2, NM_001353231.2); short protein forms Y405*, Y423*.
Identifiers: ClinVar variation 185892 (VCV000185892.16), dbSNP rs786202541, ClinGen allele CA193271.

ClinVar aggregate classification (germline): Pathogenic/Likely pathogenic. Review status: criteria provided, multiple submitters, no conflicts (2 of 4 stars). 6 submissions from 6 submitters: Pathogenic (5); Likely pathogenic (1). Last evaluated 2025-12-02.

Conditions:
FLCN-related disorders.
Hereditary cancer-predisposing syndrome. Also called: Tumor predisposition; Neoplastic Syndromes, Hereditary; Hereditary neoplastic syndrome; Hereditary Cancer Syndrome. Identifiers: Orphanet 140162, MedGen C0027672, MeSH D009386, MONDO:0015356.
Birt-Hogg-Dube syndrome. Also called: Birt Hogg Dubé syndrome. Identifiers: Orphanet 122, MedGen C0346010, MONDO:0800444.

Submissions (6):

Labcorp Genetics (formerly Invitae), Labcorp
Classification: Pathogenic for Birt-Hogg-Dube syndrome. Last evaluated: 2025-12-02. Review status: criteria provided, single submitter. Criteria: Invitae Variant Classification Sherloc (09022015). Collection method: clinical testing. Allele origin: germline.
Comment: This sequence change creates a premature translational stop signal (p.Tyr405*) in the FLCN gene. It is expected to result in an absent or disrupted protein product. Loss-of-function variants in FLCN are known to be pathogenic (PMID: 15852235). This variant is not present in population databases (gnomAD no frequency). This premature translational stop signal has been observed in individual(s) with clinical diagnosis or suspicion of Birt-Hogg-Dubé syndrome (PMID: 18234728, 28151982). ClinVar contains an entry for this variant (Variation ID: 185892). For these reasons, this variant has been classified as Pathogenic.

Blueprint Genetics
Classification: Pathogenic for FLCN-related disorders. Last evaluated: 2024-06-07. Review status: criteria provided, single submitter. Criteria: ACMG Guidelines, 2015. Collection method: clinical testing. Allele origin: germline. Affected: yes. Observed: 1 variant allele.

Clinical Genetics Laboratory, Skane University Hospital Lund
Classification: Likely pathogenic. Last evaluated: 2024-02-09. Review status: criteria provided, single submitter. Criteria: ACMG Guidelines, 2015. Collection method: clinical testing. Allele origin: germline. Affected: yes.

GeneDx
Classification: Pathogenic. Last evaluated: 2023-12-27. Review status: criteria provided, single submitter. Criteria: GeneDx Variant Classification Process June 2021. Collection method: clinical testing. Allele origin: germline. Affected: yes.
Comment: Nonsense variant predicted to result in protein truncation [or nonsense mediated decay] in a gene for which loss of function is a known mechanism of disease; Not observed at significant frequency in large population cohorts (gnomAD); Also known as c.1670C>G; This variant is associated with the following publications: (PMID: 25525159, 15852235, 28151982, 29357828, 18234728)

Ambry Genetics
Classification: Pathogenic for Hereditary cancer-predisposing syndrome. Last evaluated: 2023-11-09. Review status: criteria provided, single submitter. Criteria: Ambry Variant Classification Scheme 2023. Collection method: clinical testing. Allele origin: germline.
Comment: The p.Y405* pathogenic mutation (also known as c.1215C>G), located in coding exon 8 of the FLCN gene, results from a C to G substitution at nucleotide position 1215. This changes the amino acid from a tyrosine to a stop codon within coding exon 8. This alteration has been described in individuals with clinical features of Birt-Hogg-Dub&eacute; syndrome (Toro JR et al. J. Med. Genet. 2008 Jun;45:321-31; Park HJ et al. PLoS ONE 2017 Feb;12:e0170713; Ambry internal data). Of note, this alteration is also designated as c.1670C>G in published literature. This variant is considered to be rare based on population cohorts in the Genome Aggregation Database (gnomAD). In addition to the clinical data presented in the literature, this alteration is expected to result in loss of function by premature protein truncation or nonsense-mediated mRNA decay. As such, this alteration is interpreted as a disease-causing mutation.

Myriad Genetics, Inc.
Classification: Pathogenic for Birt-Hogg-Dube syndrome 1. Last evaluated: 2023-09-21. Review status: criteria provided, single submitter. Criteria: Myriad Autosomal Dominant, Autosomal Recessive and X-Linked Classification Criteria (2023). Collection method: clinical testing. Allele origin: unknown.
Comment: This variant is considered pathogenic. This variant creates a termination codon and is predicted to result in premature protein truncation.

Literature cited by the submitters: PubMed 15852235 (cited by Labcorp Genetics (formerly Invitae), Labcorp); PubMed 18234728 (cited by Labcorp Genetics (formerly Invitae), Labcorp and Ambry Genetics); PubMed 28151982 (cited by Labcorp Genetics (formerly Invitae), Labcorp and Ambry Genetics).